The following is an entry in ClinVar:

ClinVar aggregate classification (germline): Likely pathogenic. Review status: criteria provided, multiple submitters, no conflicts (2 of 4 stars). 2 submissions from 2 submitters: Likely pathogenic (2). Last evaluated 2022-05-25.

Conditions:
Retinitis pigmentosa 54 (RP54). Identifiers: Orphanet 791, MedGen C3150691, MONDO:0013263, OMIM 613428.
PCARE-related disorder. Also called: PCARE-related condition.

Submissions (2):

Sydney Genome Diagnostics, Children's Hospital Westmead
Classification: Likely pathogenic for Retinitis pigmentosa 54. Last evaluated: 2022-05-25. Review status: criteria provided, single submitter. Criteria: ACMG Guidelines, 2015. Collection method: clinical testing. Allele origin: germline.
Comment: This frameshifting variant is predicted to create a premature stop codon p.(Thr662Asnfs*18) and may result in a null allele due to nonsense-mediated mRNA decay. The variant has not been reported in any population databases (i.e. gnomAD v2.1.1, ESP or dbSNP). This variant has been previously reported as pathogenic once in the ClinVar database (Variation ID: 856173). Other truncating variants downstream of this amino acid have been also described in the ClinVar database (accessed: 25/5/2022), indicating that loss of function is a well-established mechanism of disease for this gene. This variant is considered to be likely pathogenic according to the ACMG guidelines (evidence used: PVS1, PM2).

Blueprint Genetics
Classification: Likely pathogenic for PCARE-related disorders. Last evaluated: 2019-05-22. Review status: criteria provided, single submitter. Criteria: ACMG Guidelines, 2015. Collection method: clinical testing. Allele origin: germline. Affected: yes. Observed: 1 variant allele.

NM_001029883.3(PCARE):c.1984dup (p.Thr662fs)

Gene: PCARE (photoreceptor cilium actin regulator; minus strand). Cytogenetic location: 2p23.2.
Variant type: Duplication.
Coding change: c.1984dup on transcript NM_001029883.3 (MANE Select); coding-DNA position 1984, one base duplicated (A; older notation c.1984dupA).
Protein change: p.Thr662fs; shifts the reading frame from threonine 662.
Molecular consequence: frameshift variant.
Genome position (GRCh38, 1-based): chr2:29,072,278, T duplicated on the plus strand (A on the coding strand, the reverse complement: PCARE is on the minus strand). VCF-style (leftmost placement, unchanged base first): chr2-29072277-G-GT. GRCh37 (hg19) VCF-style: chr2-29295143-G-GT.
Other names: c.1984dupA (NM_001029883.3); short protein forms T662fs.
Identifiers: ClinVar variation 867166 (VCV000867166.3), dbSNP rs1667504255, ClinGen allele CA916082525.